The following is an entry in ClinVar:

NM_001042472.3(ABHD12):c.39G>C (p.Glu13Asp)

Genes: ABHD12 (abhydrolase domain containing 12, lysophospholipase; minus strand), LOC130065586 (ATAC-STARR-seq lymphoblastoid silent region 12752; plus strand). Cytogenetic location: 20p11.21.
Variant type: single nucleotide variant.
Coding change: c.39G>C on transcript NM_001042472.3 (MANE Select); coding-DNA position 39, G replaced by C.
Protein change: p.Glu13Asp; replaces glutamic acid 13 with aspartic acid.
Molecular consequence: missense variant.
Genome position (GRCh38, 1-based): chr20:25,390,665, C>G on the plus strand (G>C on the coding strand, the complement: ABHD12 is on the minus strand). VCF-style: chr20-25390665-C-G. GRCh37 (hg19) VCF-style: chr20-25371301-C-G.
Other names: c.39G>C, p.Glu13Asp (NM_015600.5); short protein forms E13D.
Identifiers: ClinVar variation 1801183 (VCV001801183.5), dbSNP rs1366552448, ClinGen allele CA408445314.
Genomic context (GRCh38, chr20:25,390,665, plus strand): 5'-GTCGGCGTCCAGCGCCGCGGCGGCCGAGCCGGAGGAGGACGAGCCCGCGGCGGCGCAGCG[C>G]TCATGCTCCAAGGCGACGGGCTCGGTCCGCTTCCTCATCCCGCGGCCGACAGGGCCAGCC-3'
Protein context (NP_001035937.1, residues 3-23): KRTEPVALEH[Glu13Asp]RCAAAGSSSS

ClinVar aggregate classification (germline): Uncertain significance. Review status: criteria provided, multiple submitters, no conflicts (2 of 4 stars). 2 submissions from 2 submitters: Uncertain significance (2). Last evaluated 2025-09-10.

Allele frequency attached by ClinVar (database versions not stated): gnomAD 0.00001; TOPMed 0.00001.
gnomAD v4.1: 29 of 1,436,892 alleles (0.002%); highest among the groups gnomAD compares: Non-Finnish European, 0.0025%; no homozygotes.

Submissions (2):

GeneDx
Classification: Uncertain significance. Last evaluated: 2025-09-10. Review status: criteria provided, single submitter. Criteria: GeneDx Variant Classification Process June 2021. Collection method: clinical testing. Allele origin: germline.
Comment: In silico analysis suggests that this missense variant does not alter protein structure/function; Has not been previously published as pathogenic or benign to our knowledge

Labcorp Genetics (formerly Invitae), Labcorp
Classification: Uncertain significance. Last evaluated: 2022-10-17. Review status: criteria provided, single submitter. Criteria: Invitae Variant Classification Sherloc (09022015). Collection method: clinical testing. Allele origin: germline.
Comment: In summary, the available evidence is currently insufficient to determine the role of this variant in disease. Therefore, it has been classified as a Variant of Uncertain Significance. Algorithms developed to predict the effect of missense changes on protein structure and function are either unavailable or do not agree on the potential impact of this missense change (SIFT: "Deleterious"; PolyPhen-2: "Benign"; Align-GVGD: "Class C0"). This variant has not been reported in the literature in individuals affected with ABHD12-related conditions. This variant is present in population databases (no rsID available, gnomAD 0.008%). This sequence change replaces glutamic acid, which is acidic and polar, with aspartic acid, which is acidic and polar, at codon 13 of the ABHD12 protein (p.Glu13Asp).